The following is an entry in ClinVar:

NM_001042492.3(NF1):c.5026G>T (p.Ala1676Ser)

Gene: NF1 (neurofibromin 1; plus strand). Cytogenetic location: 17q11.2.
Variant type: single nucleotide variant.
Coding change: c.5026G>T on transcript NM_001042492.3 (MANE Select); coding-DNA position 5026, G replaced by T.
Protein change: p.Ala1676Ser; replaces alanine 1676 with serine.
Molecular consequence: missense variant.
Genome position (GRCh38, 1-based): chr17:31,326,010, G>T. VCF-style: chr17-31326010-G-T. GRCh37 (hg19) VCF-style: chr17-29653028-G-T.
Other names: c.4963G>T, p.Ala1655Ser (NM_000267.4); short protein forms A1655S, A1676S.
Identifiers: ClinVar variation 481948 (VCV000481948.15), dbSNP rs756450772, ClinGen allele CA399007345.
Genomic context (GRCh38, chr17:31,326,010, plus strand): 5'-ACAGACTTTCTCTCTAAGTGGTTTGTTGTTTTTCCTGGCTTTGCTTACGACAACGTCTCC[G>T]CAGTCTATATCTATAACTGTAACTCCTGGGTCAGGGAGTACACCAAGTATCATGAGCGGC-3'
Protein context (NP_001035957.1, residues 1666-1686): FPGFAYDNVS[Ala1676Ser]VYIYNCNSWV

ClinVar aggregate classification (germline): Uncertain significance. Review status: criteria provided, multiple submitters, no conflicts (2 of 4 stars). 4 submissions from 4 submitters: Uncertain significance (4). Last evaluated 2026-01-10.

Conditions:
Cardiovascular phenotype. Identifiers: MedGen CN230736.
Hereditary cancer-predisposing syndrome. Also called: Hereditary neoplastic syndrome; Neoplastic Syndromes, Hereditary; Tumor predisposition; Hereditary Cancer Syndrome. Identifiers: Orphanet 140162, MedGen C0027672, MeSH D009386, MONDO:0015356.
Neurofibromatosis, type 1 (NF1). Also called: VON RECKLINGHAUSEN DISEASE; Peripheral type neurofibromatosis; NEUROFIBROMATOSIS, TYPE I, SOMATIC; Neurofibromatosis, type I. Identifiers: Orphanet 636, MedGen C0027831, MONDO:0018975, OMIM 162200. Disease mechanism: loss of function.

gnomAD v4.1: 1 of 1,613,982 alleles (0.000062%); highest among the groups gnomAD compares: Admixed American, 0.0017%; no homozygotes.

Submissions (4):

Labcorp Genetics (formerly Invitae), Labcorp
Classification: Uncertain significance for Neurofibromatosis, type 1. Last evaluated: 2026-01-10. Review status: criteria provided, single submitter. Criteria: Invitae Variant Classification Sherloc (09022015). Collection method: clinical testing. Allele origin: germline.
Comment: This sequence change replaces alanine, which is neutral and non-polar, with serine, which is neutral and polar, at codon 1655 of the NF1 protein (p.Ala1655Ser). This variant is not present in population databases (gnomAD no frequency). This variant has not been reported in the literature in individuals affected with NF1-related conditions. ClinVar contains an entry for this variant (Variation ID: 481948). Invitae Evidence Modeling of protein sequence and biophysical properties (such as structural, functional, and spatial information, amino acid conservation, physicochemical variation, residue mobility, and thermodynamic stability) indicates that this missense variant is not expected to disrupt NF1 protein function with a negative predictive value of 95%. In summary, the available evidence is currently insufficient to determine the role of this variant in disease. Therefore, it has been classified as a Variant of Uncertain Significance.

Ambry Genetics
Classification: Uncertain significance for Cardiovascular phenotype; Hereditary cancer-predisposing syndrome. Last evaluated: 2025-07-22. Review status: criteria provided, single submitter. Criteria: Ambry Variant Classification Scheme 2023. Collection method: clinical testing. Allele origin: germline.
Comment: The p.A1655S variant (also known as c.4963G>T), located in coding exon 36 of the NF1 gene, results from a G to T substitution at nucleotide position 4963. The alanine at codon 1655 is replaced by serine, an amino acid with similar properties. This amino acid position is highly conserved in available vertebrate species. In addition, this alteration is predicted to be tolerated by in silico analysis. Based on the available evidence, the clinical significance of this variant remains unclear.

Women's Health and Genetics/Laboratory Corporation of America, LabCorp
Classification: Uncertain significance. Last evaluated: 2024-09-09. Review status: criteria provided, single submitter. Criteria: LabCorp Variant Classification Summary - May 2015. Collection method: clinical testing. Allele origin: germline.

Genome-Nilou Lab
Classification: Uncertain significance for Neurofibromatosis, type 1. Last evaluated: 2022-03-15. Review status: criteria provided, single submitter. Criteria: ACMG Guidelines, 2015. Collection method: clinical testing. Allele origin: germline. Affected: no.